The following is an entry in ClinVar:

NM_021930.6(RINT1):c.1838A>G (p.His613Arg)

Gene: RINT1 (RAD50 interactor 1; plus strand). Cytogenetic location: 7q22.3.
Variant type: single nucleotide variant.
Coding change: c.1838A>G on transcript NM_021930.6 (MANE Select); coding-DNA position 1838, A replaced by G.
Protein change: p.His613Arg; replaces histidine 613 with arginine.
Molecular consequence: missense variant. On other transcripts: non-coding transcript variant (1).
Genome position (GRCh38, 1-based): chr7:105,563,899, A>G. VCF-style: chr7-105563899-A-G. GRCh37 (hg19) VCF-style: chr7-105204346-A-G.
Other names: c.1604A>G, p.His535Arg (NM_001346599.2); c.815A>G, p.His272Arg (NM_001346600.2, NM_001346603.2); c.914A>G, p.His305Arg (NM_001346601.2); short protein forms H272R, H305R, H535R, H613R.
Identifiers: ClinVar variation 3314475 (VCV003314475.1).
Genomic context (GRCh38, chr7:105,563,899, plus strand): 5'-ATGACATGATTAACCTCTTAGAACGTTTAAAGCATGATATGTTGACCCGTCAAGTAGACC[A>G]CGTTTTTAGAGAAGTTAAAGATGCTGCAAAATTGTATAAAAAAGAAAGGTATGTCCTCTA-3'
Protein context (NP_068749.3, residues 603-623): KHDMLTRQVD[His613Arg]VFREVKDAAK

ClinVar aggregate classification (germline): Uncertain significance (1 of 4 stars; one submission).

Submission:

Ambry Genetics
Classification: Uncertain significance. Last evaluated: 2024-05-24. Review status: criteria provided, single submitter. Criteria: Ambry Variant Classification Scheme 2023. Collection method: clinical testing. Allele origin: germline.
Comment: The p.H613R variant (also known as c.1838A>G), located in coding exon 12 of the RINT1 gene, results from an A to G substitution at nucleotide position 1838. The histidine at codon 613 is replaced by arginine, an amino acid with highly similar properties. This amino acid position is conserved. In addition, this alteration is predicted to be tolerated by in silico analysis. Based on the available evidence, the clinical significance of this variant remains unclear.